The following is an entry in ClinVar:

NM_001129.5(AEBP1):c.1157C>G (p.Pro386Arg)

Gene: AEBP1 (AE binding protein 1; plus strand). Cytogenetic location: 7p13.
Variant type: single nucleotide variant.
Coding change: c.1157C>G on transcript NM_001129.5 (MANE Select); coding-DNA position 1157, C replaced by G.
Protein change: p.Pro386Arg; replaces proline 386 with arginine.
Molecular consequence: missense variant.
Genome position (GRCh38, 1-based): chr7:44,110,021, C>G. VCF-style: chr7-44110021-C-G. GRCh37 (hg19) VCF-style: chr7-44149620-C-G.
Other names: c.1157C>G (NM_001129.4); short protein forms P386R.
Identifiers: ClinVar variation 1963801 (VCV001963801.6), dbSNP rs1175682016, ClinGen allele CA367361303.
Genomic context (GRCh38, chr7:44,110,021, plus strand): 5'-GGTGGAGGGAAGGATGGAGCTAGTGAGCCACCATTCTGGGGTACGCGTCCTCAGAGTGTC[C>G]CCCCATTGGGATGGAGTCACACCGTATTGAGGACAACCAGATCCGAGCCTCCTCCATGCT-3'
Protein context (NP_001120.3, residues 376-396): EWTPTEKVKC[Pro386Arg]PIGMESHRIE

ClinVar aggregate classification (germline): Uncertain significance. Review status: criteria provided, multiple submitters, no conflicts (2 of 4 stars). 2 submissions from 2 submitters: Uncertain significance (2). Last evaluated 2023-02-10.

gnomAD v4.1: 2 of 1,612,620 alleles (0.00012%); highest among the groups gnomAD compares: Non-Finnish European, 0.00017%; no homozygotes.

Submissions (2):

GeneDx
Classification: Uncertain significance. Last evaluated: 2023-02-10. Review status: criteria provided, single submitter. Criteria: GeneDx Variant Classification Process June 2021. Collection method: clinical testing. Allele origin: germline. Affected: yes.
Comment: Not observed at significant frequency in large population cohorts (gnomAD); In silico analysis supports that this missense variant has a deleterious effect on protein structure/function; Has not been previously published as pathogenic or benign to our knowledge

Labcorp Genetics (formerly Invitae), Labcorp
Classification: Uncertain significance. Last evaluated: 2022-03-23. Review status: criteria provided, single submitter. Criteria: Invitae Variant Classification Sherloc (09022015). Collection method: clinical testing. Allele origin: germline.
Comment: In summary, the available evidence is currently insufficient to determine the role of this variant in disease. Therefore, it has been classified as a Variant of Uncertain Significance. Algorithms developed to predict the effect of missense changes on protein structure and function are either unavailable or do not agree on the potential impact of this missense change (SIFT: "Deleterious"; PolyPhen-2: "Benign"; Align-GVGD: "Class C0"). This variant has not been reported in the literature in individuals affected with AEBP1-related conditions. This variant is not present in population databases (gnomAD no frequency). This sequence change replaces proline, which is neutral and non-polar, with arginine, which is basic and polar, at codon 386 of the AEBP1 protein (p.Pro386Arg).